The following is an entry in ClinVar:

ClinVar aggregate classification (germline): Uncertain significance (1 of 4 stars; one submission).

Conditions:
Encephalopathy, acute, infection-induced (herpes-specific), susceptibility to, 1. Also called: Herpes simplex encephalitis, susceptibility to, 1. Identifiers: Orphanet 1930, MedGen C2750180, MONDO:0024563, OMIM 610551.

Allele frequency attached by ClinVar (database versions not stated): TOPMed below 0.00001.

Submission:

Labcorp Genetics (formerly Invitae), Labcorp
Classification: Uncertain significance for Encephalopathy, acute, infection-induced (herpes-specific), susceptibility to, 1. Last evaluated: 2019-03-07. Review status: criteria provided, single submitter. Criteria: Invitae Variant Classification Sherloc (09022015). Collection method: clinical testing. Allele origin: germline.
Comment: In summary, the available evidence is currently insufficient to determine the role of this variant in disease. Therefore, it has been classified as a Variant of Uncertain Significance. Algorithms developed to predict the effect of missense changes on protein structure and function output the following: SIFT: "Tolerated"; PolyPhen-2: "Benign"; Align-GVGD: "Class C0". The serine amino acid residue is found in multiple mammalian species, suggesting that this missense change does not adversely affect protein function. These predictions have not been confirmed by published functional studies and their clinical significance is uncertain. This variant has not been reported in the literature in individuals with TLR3-related conditions. This variant is not present in population databases (ExAC no frequency). This sequence change replaces asparagine with serine at codon 252 of the TLR3 protein (p.Asn252Ser). The asparagine residue is moderately conserved and there is a small physicochemical difference between asparagine and serine.

NM_003265.3(TLR3):c.755A>G (p.Asn252Ser)

Gene: TLR3 (toll like receptor 3; plus strand). Cytogenetic location: 4q35.1.
Variant type: single nucleotide variant.
Coding change: c.755A>G on transcript NM_003265.3 (MANE Select); coding-DNA position 755, A replaced by G.
Protein change: p.Asn252Ser; replaces asparagine 252 with serine.
Molecular consequence: missense variant.
Genome position (GRCh38, 1-based): chr4:186,082,441, A>G. VCF-style: chr4-186082441-A-G. GRCh37 (hg19) VCF-style: chr4-187003595-A-G.
Other names: short protein forms N252S.
Identifiers: ClinVar variation 834812 (VCV000834812.10), dbSNP rs2099303697, ClinGen allele CA358929113.
Genomic context (GRCh38, chr4:186,082,441, plus strand): 5'-AGCTGGGTCCCAGCCTTACAGAGAAGCTATGTTTGGAATTAGCAAACACAAGCATTCGGA[A>G]TCTGTCTCTGAGTAACAGCCAGCTGTCCACCACCAGCAATACAACTTTCTTGGGACTAAA-3'
Protein context (NP_003256.1, residues 242-262): CLELANTSIR[Asn252Ser]LSLSNSQLST